The following is an entry in ClinVar:

ClinVar aggregate classification (germline): Uncertain significance (1 of 4 stars; one submission).

Conditions:
Hereditary cancer-predisposing syndrome. Also called: Neoplastic Syndromes, Hereditary; Tumor predisposition; Hereditary Cancer Syndrome; Hereditary neoplastic syndrome. Identifiers: Orphanet 140162, MedGen C0027672, MeSH D009386, MONDO:0015356.

Submission:

Ambry Genetics
Classification: Uncertain significance for Hereditary cancer-predisposing syndrome. Last evaluated: 2025-06-15. Review status: criteria provided, single submitter. Criteria: Ambry Variant Classification Scheme 2023. Collection method: clinical testing. Allele origin: germline.
Comment: The p.H677D variant (also known as c.2029C>G), located in coding exon 7 of the AXIN2 gene, results from a C to G substitution at nucleotide position 2029. The histidine at codon 677 is replaced by aspartic acid, an amino acid with similar properties. This amino acid position is conserved. In addition, this alteration is predicted to be deleterious by in silico analysis. Based on the available evidence, the clinical significance of this variant remains unclear.

NM_004655.4(AXIN2):c.2029C>G (p.His677Asp)

Gene: AXIN2 (axin 2; minus strand). Cytogenetic location: 17q24.1.
Variant type: single nucleotide variant.
Coding change: c.2029C>G on transcript NM_004655.4 (MANE Select); coding-DNA position 2029, C replaced by G.
Protein change: p.His677Asp; replaces histidine 677 with aspartic acid.
Molecular consequence: missense variant.
Genome position (GRCh38, 1-based): chr17:65,536,432, G>C on the plus strand (C>G on the coding strand, the complement: AXIN2 is on the minus strand). VCF-style: chr17-65536432-G-C. GRCh37 (hg19) VCF-style: chr17-63532550-G-C.
Other names: c.1834C>G, p.His612Asp (NM_001363813.1); short protein forms H612D, H677D.
Identifiers: ClinVar variation 4188091 (VCV004188091.1).
Genomic context (GRCh38, chr17:65,536,432, plus strand): 5'-GCTGAGCCAGCGTGTTGGGTGGGGTCAGGGGAGGCATCGCAGGGTCCTGGGTGAACAGGT[G>C]GGCACGGGGGGTGGTGCGGGGGTGCCCGCTGTTGCCCCCCCACAGATGGTGCCGGCTGGC-3'
Protein context (NP_004646.3, residues 667-687): SGHPRTTPRA[His677Asp]LFTQDPAMPP